The following is an entry in ClinVar:

ClinVar aggregate classification (germline): Uncertain significance (1 of 4 stars; one submission).

Submission:

Labcorp Genetics (formerly Invitae), Labcorp
Classification: Uncertain significance. Last evaluated: 2026-01-27. Review status: criteria provided, single submitter. Criteria: Invitae Variant Classification Sherloc (09022015). Collection method: clinical testing. Allele origin: germline.
Comment: This sequence change replaces serine, which is neutral and polar, with glycine, which is neutral and non-polar, at codon 800 of the ITSN2 protein (p.Ser800Gly). This variant is present in population databases (no rsID available, gnomAD 0.003%). This variant has not been reported in the literature in individuals affected with ITSN2-related conditions. An algorithm developed to predict the effect of missense changes on protein structure and function outputs the following: PolyPhen-2: "Not Available". The glycine amino acid residue is found in multiple mammalian species, which suggests that this missense change does not adversely affect protein function. In summary, the available evidence is currently insufficient to determine the role of this variant in disease. Therefore, it has been classified as a Variant of Uncertain Significance.

NM_006277.3(ITSN2):c.2398A>G (p.Ser800Gly)

Gene: ITSN2 (intersectin 2; minus strand). Cytogenetic location: 2p23.3.
Variant type: single nucleotide variant.
Coding change: c.2398A>G on transcript NM_006277.3 (MANE Select); coding-DNA position 2398, A replaced by G.
Protein change: p.Ser800Gly; replaces serine 800 with glycine.
Molecular consequence: missense variant.
Genome position (GRCh38, 1-based): chr2:24,261,700, T>C on the plus strand (A>G on the coding strand, the complement: ITSN2 is on the minus strand). VCF-style: chr2-24261700-T-C. GRCh37 (hg19) VCF-style: chr2-24484569-T-C.
Other names: c.2356A>G, p.Ser786Gly (NM_001348181.2); c.2278A>G, p.Ser760Gly (NM_001348182.2, NM_001348186.2); c.2317A>G, p.Ser773Gly (NM_001348183.2, NM_019595.4); c.2275A>G, p.Ser759Gly (NM_001348184.2); c.2359A>G, p.Ser787Gly (NM_001348185.2); c.2398A>G, p.Ser800Gly (NM_147152.3); short protein forms S759G, S773G, S786G, S800G, S760G, S787G.
Identifiers: ClinVar variation 4707166 (VCV004707166.1).